The following is an entry in ClinVar:

NM_001127511.3(APC):c.-116C>T

Gene: APC (APC regulator of Wnt signaling pathway; plus strand). Cytogenetic location: 5q22.2.
Variant type: single nucleotide variant.
Coding change: c.-116C>T on transcript NM_001127511.3; 116 bases upstream of the start codon, C replaced by T.
Molecular consequence: 5 prime UTR variant. On other transcripts: non-coding transcript variant (2).
Genome position (GRCh38, 1-based): chr5:112,707,602, C>T. VCF-style: chr5-112707602-C-T. GRCh37 (hg19) VCF-style: chr5-112043299-C-T.
Other names: c.-299C>T (NM_001354895.2, NM_001407447.1, NM_001407452.1 and 3 more transcripts); c.-116C>T (NM_001354897.2, NM_001354902.2, NM_001407446.1); c.-66C>T (NM_001407448.1, NM_001407450.1, NM_001407457.1 and 1 more transcripts); c.-90C>T (NM_001407453.1); c.-1334C>T (NM_001407470.1, NM_001407472.1).
Identifiers: ClinVar variation 1016179 (VCV001016179.9), dbSNP rs1750586844, ClinGen allele CA1573442521.

ClinVar aggregate classification (germline): Uncertain significance (1 of 4 stars; one submission).

Conditions:
Familial adenomatous polyposis 1 (FAP1). Also called: FAMILIAL ADENOMATOUS POLYPOSIS 1, ATTENUATED; POLYPOSIS, ADENOMATOUS INTESTINAL. Identifiers: MedGen C2713442, MONDO:0021056, OMIM 175100. Disease mechanism: loss of function.

Submission:

Labcorp Genetics (formerly Invitae), Labcorp
Classification: Uncertain significance for Familial adenomatous polyposis 1. Last evaluated: 2019-01-26. Review status: criteria provided, single submitter. Criteria: Invitae Variant Classification Sherloc (09022015). Collection method: clinical testing. Allele origin: germline.
Comment: In summary, the available evidence is currently insufficient to determine the role of this variant in disease. Therefore, it has been classified as a Variant of Uncertain Significance. Experimental studies and prediction algorithms are not available for this variant, and the functional significance of this non-coding change is currently unknown. This variant has not been reported in the literature in individuals with APC-related conditions. The frequency data for this variant in the population databases is considered unreliable, as metrics indicate insufficient coverage at this position in the ExAC database. This variant occurs in a non-coding region of the APC gene. It does not change the encoded amino acid sequence of the APC protein.